The following is an entry in ClinVar:

ClinVar aggregate classification (germline): Benign (0 of 4 stars; one submission).

Conditions:
TNS1-related disorder. Also called: TNS1-related condition.

Allele frequency attached by ClinVar (database versions not stated): gnomAD exomes 0.00673; ExAC 0.02123; gnomAD 0.06532; 1000 Genomes Project 0.07328; TOPMed 0.07431; ESP Exome Variant Server 0.07466; 1000 Genomes Project 30x 0.07870.
gnomAD v4.1: 20,236 of 1,614,166 alleles (1.3%); highest among the groups gnomAD compares: African/African-American, 23%; 2,079 homozygotes.

Submission:

PreventionGenetics, part of Exact Sciences
Classification: Benign for TNS1-related condition. Last evaluated: 2019-09-10. Review status: no assertion criteria provided. Collection method: clinical testing. Allele origin: germline.
Comment: This variant is classified as benign based on ACMG/AMP sequence variant interpretation guidelines (Richards et al. 2015 PMID: 25741868, with internal and published modifications).

NM_001387777.1(TNS1):c.3852G>A (p.Ala1284=)

Gene: TNS1 (tensin 1; minus strand). Cytogenetic location: 2q35.
Variant type: single nucleotide variant.
Coding change: c.3852G>A on transcript NM_001387777.1 (MANE Select); coding-DNA position 3852, G replaced by A.
Protein change: p.Ala1284=; no amino-acid change (alanine 1284 retained).
Molecular consequence: synonymous variant.
Genome position (GRCh38, 1-based): chr2:217,818,480, C>T on the plus strand (G>A on the coding strand, the complement: TNS1 is on the minus strand). VCF-style: chr2-217818480-C-T. GRCh37 (hg19) VCF-style: chr2-218683203-C-T.
Other names: c.3501G>A, p.Ala1167= (NM_001308022.2); c.3477G>A, p.Ala1159= (NM_001308023.2); c.3540G>A, p.Ala1180= (NM_022648.7).
Identifiers: ClinVar variation 3056638 (VCV003056638.2), dbSNP rs2552525, ClinGen allele CA2099771.